The following is an entry in ClinVar:

ClinVar aggregate classification (germline): Uncertain significance. Review status: criteria provided, multiple submitters, no conflicts (2 of 4 stars). 2 submissions from 2 submitters: Uncertain significance (2). Last evaluated 2024-02-15.

Conditions:
POLD1-related polyposis and colorectal cancer syndrome (CRCS10). Also called: Colorectal cancer, susceptibility to, 10; Colorectal cancer 10; COLORECTAL CANCER, SUSCEPTIBILITY TO, ON CHROMOSOME 19q. Identifiers: Orphanet 220460, MedGen C2675481, MONDO:0012953, OMIM 612591.
Hereditary cancer-predisposing syndrome. Also called: Neoplastic Syndromes, Hereditary; Hereditary neoplastic syndrome; Hereditary Cancer Syndrome; Tumor predisposition. Identifiers: Orphanet 140162, MedGen C0027672, MeSH D009386, MONDO:0015356.

gnomAD v4.1: 2 of 1,529,454 alleles (0.00013%); highest among the groups gnomAD compares: Non-Finnish European, 0.00018%; no homozygotes.

Submissions (2):

Labcorp Genetics (formerly Invitae), Labcorp
Classification: Uncertain significance for POLD1-related polyposis and colorectal cancer syndrome. Last evaluated: 2024-02-15. Review status: criteria provided, single submitter. Criteria: Invitae Variant Classification Sherloc (09022015). Collection method: clinical testing. Allele origin: germline.
Comment: This sequence change replaces methionine, which is neutral and non-polar, with leucine, which is neutral and non-polar, at codon 937 of the POLD1 protein (p.Met937Leu). This variant is not present in population databases (gnomAD no frequency). This variant has not been reported in the literature in individuals affected with POLD1-related conditions. ClinVar contains an entry for this variant (Variation ID: 408072). Advanced modeling of protein sequence and biophysical properties (such as structural, functional, and spatial information, amino acid conservation, physicochemical variation, residue mobility, and thermodynamic stability) performed at Invitae indicates that this missense variant is not expected to disrupt POLD1 protein function with a negative predictive value of 80%. In summary, the available evidence is currently insufficient to determine the role of this variant in disease. Therefore, it has been classified as a Variant of Uncertain Significance.

Ambry Genetics
Classification: Uncertain significance for Hereditary cancer-predisposing syndrome. Last evaluated: 2024-01-25. Review status: criteria provided, single submitter. Criteria: Ambry Variant Classification Scheme 2023. Collection method: clinical testing. Allele origin: germline.
Comment: The p.M937L variant (also known as c.2809A>T), located in coding exon 21 of the POLD1 gene, results from an A to T substitution at nucleotide position 2809. The methionine at codon 937 is replaced by leucine, an amino acid with highly similar properties. This amino acid position is conserved. In addition, this alteration is predicted to be tolerated by in silico analysis. Based on the available evidence, the clinical significance of this alteration remains unclear.

NM_002691.4(POLD1):c.2809A>T (p.Met937Leu)

Gene: POLD1 (DNA polymerase delta 1, catalytic subunit; plus strand). Cytogenetic location: 19q13.33.
Variant type: single nucleotide variant.
Coding change: c.2809A>T on transcript NM_002691.4 (MANE Select); coding-DNA position 2809, A replaced by T.
Protein change: p.Met937Leu; replaces methionine 937 with leucine.
Molecular consequence: missense variant.
Genome position (GRCh38, 1-based): chr19:50,415,815, A>T. VCF-style: chr19-50415815-A-T. GRCh37 (hg19) VCF-style: chr19-50919072-A-T.
Other names: c.2887A>T, p.Met963Leu (LRG_785t2, NM_001308632.1); c.2809A>T, p.Met937Leu (NM_001256849.1, LRG_785t1); c.2809A>T (NM_002691.2); short protein forms M937L, M963L.
Identifiers: ClinVar variation 408072 (VCV000408072.10), dbSNP rs1060501839, ClinGen allele CA16616177.
Genomic context (GRCh38, chr19:50,415,815, plus strand): 5'-AGCCTGGGCGACCGCGTCCCCTACGTGATCATCAGTGCCGCCAAGGGTGTGGCCGCCTAC[A>T]TGAAGTCGGAGGTCAGGCCCACCTGGCTGCCTGCTCCCGCCCAGCCCCCTCGCTCTCACT-3'
Protein context (NP_002682.2, residues 927-947): ISAAKGVAAY[Met937Leu]KSEDPLFVLE